The following is an entry in ClinVar:

NM_001286.5(CLCN6):c.472G>A (p.Gly158Arg)

Gene: CLCN6 (chloride voltage-gated channel 6; plus strand). Cytogenetic location: 1p36.22.
Variant type: single nucleotide variant.
Coding change: c.472G>A on transcript NM_001286.5 (MANE Select); coding-DNA position 472, G replaced by A.
Protein change: p.Gly158Arg; replaces glycine 158 with arginine.
Molecular consequence: missense variant. On other transcripts: non-coding transcript variant (1).
Genome position (GRCh38, 1-based): chr1:11,823,725, G>A. VCF-style: chr1-11823725-G-A. GRCh37 (hg19) VCF-style: chr1-11883782-G-A.
Other names: c.406G>A, p.Gly136Arg (NM_001256959.2); c.472G>A (NM_001286.2); short protein forms G158R, G136R.
Identifiers: ClinVar variation 1500350 (VCV001500350.7), dbSNP rs908726031, ClinGen allele CA17993819.

ClinVar aggregate classification (germline): Uncertain significance. Review status: criteria provided, multiple submitters, no conflicts (2 of 4 stars). 2 submissions from 2 submitters: Uncertain significance (2). Last evaluated 2024-10-22.

Allele frequency attached by ClinVar (database versions not stated): gnomAD exomes below 0.00001; gnomAD 0.00001; TOPMed 0.00001.
gnomAD v4.1: 26 of 1,614,090 alleles (0.0016%); highest among the groups gnomAD compares: Middle Eastern, 0.016%; no homozygotes.

Submissions (2):

Labcorp Genetics (formerly Invitae), Labcorp
Classification: Uncertain significance. Last evaluated: 2024-10-22. Review status: criteria provided, single submitter. Criteria: Invitae Variant Classification Sherloc (09022015). Collection method: clinical testing. Allele origin: germline.
Comment: This sequence change replaces glycine, which is neutral and non-polar, with arginine, which is basic and polar, at codon 158 of the CLCN6 protein (p.Gly158Arg). This variant is present in population databases (no rsID available, gnomAD 0.0009%). This variant has not been reported in the literature in individuals affected with CLCN6-related conditions. ClinVar contains an entry for this variant (Variation ID: 1500350). An algorithm developed to predict the effect of missense changes on protein structure and function (PolyPhen-2) suggests that this variant is likely to be disruptive. In summary, the available evidence is currently insufficient to determine the role of this variant in disease. Therefore, it has been classified as a Variant of Uncertain Significance.

Ambry Genetics
Classification: Uncertain significance. Last evaluated: 2023-07-25. Review status: criteria provided, single submitter. Criteria: Ambry Variant Classification Scheme 2023. Collection method: clinical testing. Allele origin: germline.